The following is an entry in ClinVar:

ClinVar aggregate classification (germline): Uncertain significance. Review status: criteria provided, multiple submitters, no conflicts (2 of 4 stars). 2 submissions from 2 submitters: Uncertain significance (2). Last evaluated 2023-05-08.

Conditions:
Hereditary cancer-predisposing syndrome. Also called: Hereditary Cancer Syndrome; Hereditary neoplastic syndrome; Neoplastic Syndromes, Hereditary; Tumor predisposition. Identifiers: Orphanet 140162, MedGen C0027672, MeSH D009386, MONDO:0015356.
Tuberous sclerosis 2 (TSC2). Identifiers: Orphanet 805, MedGen C1860707, MONDO:0013199, OMIM 613254.

Allele frequency attached by ClinVar (database versions not stated): gnomAD exomes below 0.00001.

Submissions (2):

Labcorp Genetics (formerly Invitae), Labcorp
Classification: Uncertain significance for Tuberous sclerosis 2. Last evaluated: 2023-05-08. Review status: criteria provided, single submitter. Criteria: Invitae Variant Classification Sherloc (09022015). Collection method: clinical testing. Allele origin: germline.
Comment: In summary, the available evidence is currently insufficient to determine the role of this variant in disease. Therefore, it has been classified as a Variant of Uncertain Significance. Advanced modeling of protein sequence and biophysical properties (such as structural, functional, and spatial information, amino acid conservation, physicochemical variation, residue mobility, and thermodynamic stability) performed at Invitae indicates that this missense variant is not expected to disrupt TSC2 protein function. ClinVar contains an entry for this variant (Variation ID: 2080527). This variant has not been reported in the literature in individuals affected with TSC2-related conditions. This variant is not present in population databases (gnomAD no frequency). This sequence change replaces tyrosine, which is neutral and polar, with cysteine, which is neutral and slightly polar, at codon 686 of the TSC2 protein (p.Tyr686Cys).

Ambry Genetics
Classification: Uncertain significance for Hereditary cancer-predisposing syndrome. Last evaluated: 2023-05-02. Review status: criteria provided, single submitter. Criteria: Ambry Variant Classification Scheme 2023. Collection method: clinical testing. Allele origin: germline.
Comment: The p.Y686C variant (also known as c.2057A>G), located in coding exon 18 of the TSC2 gene, results from an A to G substitution at nucleotide position 2057. The tyrosine at codon 686 is replaced by cysteine, an amino acid with highly dissimilar properties. This amino acid position is conserved. In addition, this alteration is predicted to be deleterious by in silico analysis. Since supporting evidence is limited at this time, the clinical significance of this alteration remains unclear.

NM_000548.5(TSC2):c.2057A>G (p.Tyr686Cys)

Gene: TSC2 (TSC complex subunit 2; plus strand). Cytogenetic location: 16p13.3.
Variant type: single nucleotide variant.
Coding change: c.2057A>G on transcript NM_000548.5 (MANE Select); coding-DNA position 2057, A replaced by G.
Protein change: p.Tyr686Cys; replaces tyrosine 686 with cysteine.
Molecular consequence: missense variant.
Genome position (GRCh38, 1-based): chr16:2,071,894, A>G. VCF-style: chr16-2071894-A-G. GRCh37 (hg19) VCF-style: chr16-2121895-A-G.
Other names: c.1910A>G, p.Tyr637Cys (NM_001406675.1, NM_001406676.1, NM_001406679.1 and 1 more transcripts); c.2000A>G, p.Tyr667Cys (NM_001406677.1); c.1946A>G, p.Tyr649Cys (NM_001406678.1, NM_001318827.2, NM_001406670.1); c.1457A>G, p.Tyr486Cys (NM_001406680.1, NM_001406682.1, NM_001406683.1 and 6 more transcripts); c.1595A>G, p.Tyr532Cys (NM_001406681.1); c.2057A>G, p.Tyr686Cys (NM_001077183.3, NM_001114382.3, NM_001363528.2 and 6 more transcripts); c.2090A>G, p.Tyr697Cys (NM_001318832.2); c.2147A>G, p.Tyr716Cys (NM_001406667.1, NM_001406668.1); and 3 more; short protein forms Y238C, Y532C, Y637C, Y486C, Y667C, Y716C, Y152C, Y649C.
Identifiers: ClinVar variation 2080527 (VCV002080527.6), dbSNP rs2151307563, ClinGen allele CA394274622.